The following is an entry in ClinVar:

ClinVar aggregate classification (germline): Uncertain significance (1 of 4 stars; one submission).

Allele frequency attached by ClinVar (database versions not stated): gnomAD exomes 0.00001.

Submission:

Laboratory for Molecular Medicine, Mass General Brigham Personalized Medicine
Classification: Uncertain significance. Last evaluated: 2015-02-18. Review status: criteria provided, single submitter. Criteria: LMM Criteria. Collection method: clinical testing. Allele origin: germline. Observed: 1 variant allele.
Comment: The p.Leu1135Arg variant in STRC has not been previously reported in individuals with hearing loss. Data from large population studies is insufficient to assess the frequency of this variant. Computational prediction tools and conservation analyses do not provide strong support for or against an impact to the protein. In summary, the clinical significance of the p.Leu1135Arg variant is uncertain.

NM_153700.2(STRC):c.3404T>G (p.Leu1135Arg)

Gene: STRC (stereocilin; minus strand). Cytogenetic location: 15q15.3.
Variant type: single nucleotide variant.
Coding change: c.3404T>G on transcript NM_153700.2 (MANE Select); coding-DNA position 3404, T replaced by G.
Protein change: p.Leu1135Arg; replaces leucine 1135 with arginine.
Molecular consequence: missense variant.
Genome position (GRCh38, 1-based): chr15:43,610,406, A>C on the plus strand (T>G on the coding strand, the complement: STRC is on the minus strand). VCF-style: chr15-43610406-A-C. GRCh37 (hg19) VCF-style: chr15-43902604-A-C.
Other names: short protein forms L1135R.
Identifiers: ClinVar variation 229278 (VCV000229278.5), dbSNP rs876658009, ClinGen allele CA10576978.